The following is an entry in ClinVar:

NM_001365536.1(SCN9A):c.4819A>C (p.Thr1607Pro)

Genes: SCN1A-AS1 (SCN1A and SCN9A antisense RNA 1; plus strand), SCN9A (sodium voltage-gated channel alpha subunit 9; minus strand). Cytogenetic location: 2q24.3.
Variant type: single nucleotide variant.
Coding change: c.4819A>C on transcript NM_001365536.1 (MANE Select); coding-DNA position 4819, A replaced by C.
Protein change: p.Thr1607Pro; replaces threonine 1607 with proline.
Molecular consequence: missense variant.
Genome position (GRCh38, 1-based): chr2:166,199,820, T>G on the plus strand (A>C on the coding strand, the complement: SCN9A is on the minus strand). VCF-style: chr2-166199820-T-G. GRCh37 (hg19) VCF-style: chr2-167056330-T-G.
Other names: c.4786A>C, p.Thr1596Pro (NM_002977.4); short protein forms T1596P, T1607P.
Identifiers: ClinVar variation 1345568 (VCV001345568.8), dbSNP rs2106338253, ClinGen allele CA349055640.

ClinVar aggregate classification (germline): Uncertain significance (1 of 4 stars; one submission).

Conditions:
Neuropathy, hereditary sensory and autonomic, type 2A (HSAN2A). Also called: HSAN IIA; MORVAN DISEASE; NEUROPATHY, CONGENITAL SENSORY; NEUROPATHY, HEREDITARY SENSORY RADICULAR, AUTOSOMAL RECESSIVE; NEUROPATHY, HEREDITARY SENSORY, TYPE IIA; NEUROPATHY, PROGRESSIVE SENSORY, OF CHILDREN. Identifiers: Orphanet 970, MedGen C2752089, MONDO:0024309, OMIM 201300.
Generalized epilepsy with febrile seizures plus, type 7 (GEFSP7). Also called: GEFS+, TYPE 7. Identifiers: Orphanet 36387, MedGen C2751778, MONDO:0013470, OMIM 613863.

Submission:

Labcorp Genetics (formerly Invitae), Labcorp
Classification: Uncertain significance for Neuropathy, hereditary sensory and autonomic, type 2A; Generalized epilepsy with febrile seizures plus, type 7. Last evaluated: 2022-10-25. Review status: criteria provided, single submitter. Criteria: Invitae Variant Classification Sherloc (09022015). Collection method: clinical testing. Allele origin: germline.
Comment: In summary, the available evidence is currently insufficient to determine the role of this variant in disease. Therefore, it has been classified as a Variant of Uncertain Significance. Advanced modeling of protein sequence and biophysical properties (such as structural, functional, and spatial information, amino acid conservation, physicochemical variation, residue mobility, and thermodynamic stability) performed at Invitae indicates that this missense variant is not expected to disrupt SCN9A protein function. ClinVar contains an entry for this variant (Variation ID: 1345568). This variant has not been reported in the literature in individuals affected with SCN9A-related conditions. This variant is not present in population databases (gnomAD no frequency). This sequence change replaces threonine, which is neutral and polar, with proline, which is neutral and non-polar, at codon 1596 of the SCN9A protein (p.Thr1596Pro).